The following is an entry in ClinVar:

NM_006015.6(ARID1A):c.2383A>T (p.Ser795Cys)

Gene: ARID1A (AT-rich interaction domain 1A; plus strand). Cytogenetic location: 1p36.11.
Variant type: single nucleotide variant.
Coding change: c.2383A>T on transcript NM_006015.6 (MANE Select); coding-DNA position 2383, A replaced by T.
Protein change: p.Ser795Cys; replaces serine 795 with cysteine.
Molecular consequence: missense variant.
Genome position (GRCh38, 1-based): chr1:26,762,283, A>T. VCF-style: chr1-26762283-A-T. GRCh37 (hg19) VCF-style: chr1-27088774-A-T.
Other names: c.2383A>T, p.Ser795Cys (NM_139135.4); short protein forms S795C.
Identifiers: ClinVar variation 1879005 (VCV001879005.1), dbSNP rs2124064314, ClinGen allele CA339155522.
Genomic context (GRCh38, chr1:26,762,283, plus strand): 5'-CAGCCTTCCGGAGGACAGATACACACAGGCATGGGCTCCTACCAGCAGAACTCCATGGGG[A>T]GCTATGGTCCCCAGGGGGGTCAGTATGGCCCACAAGGTCAGTATACTACCCAGTTAGGAG-3'
Protein context (NP_006006.3, residues 785-805): MGSYQQNSMG[Ser795Cys]YGPQGGQYGP

ClinVar aggregate classification (germline): Uncertain significance (1 of 4 stars; one submission).

Submission:

GeneDx
Classification: Uncertain significance. Last evaluated: 2022-07-07. Review status: criteria provided, single submitter. Criteria: GeneDx Variant Classification Process June 2021. Collection method: clinical testing. Allele origin: germline. Affected: yes.
Comment: Has not been previously published as pathogenic or benign to our knowledge; Not observed at significant frequency in large population cohorts (gnomAD); In silico analysis supports that this missense variant has a deleterious effect on protein structure/function